The following is an entry in ClinVar:

NM_000213.5(ITGB4):c.755G>T (p.Arg252Leu)

Gene: ITGB4 (integrin subunit beta 4; plus strand). Cytogenetic location: 17q25.1.
Variant type: single nucleotide variant.
Coding change: c.755G>T on transcript NM_000213.5 (MANE Select); coding-DNA position 755, G replaced by T.
Protein change: p.Arg252Leu; replaces arginine 252 with leucine.
Molecular consequence: missense variant.
Genome position (GRCh38, 1-based): chr17:75,730,257, G>T. VCF-style: chr17-75730257-G-T. GRCh37 (hg19) VCF-style: chr17-73726338-G-T.
Other names: c.755G>T, p.Arg252Leu (NM_001005619.2, NM_001005731.3, NM_001321123.2); short protein forms R252L.
Identifiers: ClinVar variation 372944 (VCV000372944.4), dbSNP rs933021387, ClinGen allele CA16043059.

ClinVar aggregate classification (germline): Uncertain significance (1 of 4 stars; one submission).

Allele frequency attached by ClinVar (database versions not stated): TOPMed 0.00004.
gnomAD v4.1: 7 of 1,612,714 alleles (0.00043%); highest among the groups gnomAD compares: African/African-American, 0.008%; no homozygotes.

Submission:

GeneDx
Classification: Uncertain significance. Last evaluated: 2020-08-25. Review status: criteria provided, single submitter. Criteria: GeneDx Variant Classification Process June 2021. Collection method: clinical testing. Allele origin: germline. Affected: yes.
Comment: In silico analysis supports that this missense variant has a deleterious effect on protein structure/function; Has not been previously published as pathogenic or benign to our knowledge